The following is an entry in ClinVar:

NM_001174147.2(LMX1B):c.*38G>A

Gene: LMX1B (LIM homeobox transcription factor 1 beta; plus strand). Cytogenetic location: 9q33.3.
Variant type: single nucleotide variant.
Coding change: c.*38G>A on transcript NM_001174147.2 (MANE Select); 38 bases downstream of the stop codon, G replaced by A.
Molecular consequence: 3 prime UTR variant.
Genome position (GRCh38, 1-based): chr9:126,696,489, G>A. VCF-style: chr9-126696489-G-A. GRCh37 (hg19) VCF-style: chr9-129458768-G-A.
Other names: c.*38G>A (NM_001174146.2, NM_002316.4).
Identifiers: ClinVar variation 364891 (VCV000364891.5), dbSNP rs201442685, ClinGen allele CA5242603.

ClinVar aggregate classification (germline): Likely benign (1 of 4 stars; one submission).

Conditions:
Nail-patella syndrome (NPS). Also called: FONG DISEASE; ONYCHOOSTEODYSPLASIA; TURNER-KIESER SYNDROME. Identifiers: Orphanet 2614, MedGen C0027341, MONDO:0008061, OMIM 161200.

Allele frequency attached by ClinVar (database versions not stated): TOPMed 0.00002; gnomAD exomes 0.00080; ExAC 0.00093; 1000 Genomes Project 0.00120; 1000 Genomes Project 30x 0.00125.
gnomAD v4.1: 550 of 1,606,696 alleles (0.034%); highest among the groups gnomAD compares: South Asian, 0.58%; 10 homozygotes.

Submission:

Illumina Laboratory Services, Illumina
Classification: Likely benign for Nail-patella syndrome. Last evaluated: 2017-04-27. Review status: criteria provided, single submitter. Criteria: ICSL Variant Classification Criteria 13 December 2019. Collection method: clinical testing. Allele origin: germline.
Comment: This variant was observed as part of a predisposition screen in an ostensibly healthy population. A literature search was performed for the gene, cDNA change, and amino acid change (where applicable). No publications were found based on this search. Allele frequency data from public databases allowed determination this variant is unlikely to cause disease. Therefore, this variant is classified as likely benign.